The following is an entry in ClinVar:

ClinVar aggregate classification (germline): Uncertain significance (1 of 4 stars; one submission).

Conditions:
Hereditary spastic paraplegia 47. Also called: adaptor protein 4 (AP-4) deficiency syndrome; CEREBRAL PALSY, SPASTIC QUADRIPLEGIC, 5; Spastic paraplegia 47, autosomal recessive. Identifiers: Orphanet 280763, MedGen C3279738, MONDO:0013551, OMIM 614066.

Allele frequency attached by ClinVar (database versions not stated): gnomAD 0.00001; TOPMed 0.00002.
gnomAD v4.1: 30 of 1,614,084 alleles (0.0019%); highest among the groups gnomAD compares: Non-Finnish European, 0.0025%; no homozygotes.

Submission:

Labcorp Genetics (formerly Invitae), Labcorp
Classification: Uncertain significance for Hereditary spastic paraplegia 47. Last evaluated: 2021-05-09. Review status: criteria provided, single submitter. Criteria: Invitae Variant Classification Sherloc (09022015). Collection method: clinical testing. Allele origin: germline.
Comment: This sequence change replaces tyrosine with cysteine at codon 518 of the AP4B1 protein (p.Tyr518Cys). The tyrosine residue is highly conserved and there is a large physicochemical difference between tyrosine and cysteine. This variant is not present in population databases (ExAC no frequency). This variant has not been reported in the literature in individuals with AP4B1-related conditions. Algorithms developed to predict the effect of missense changes on protein structure and function output the following: SIFT: "Deleterious"; PolyPhen-2: "Benign"; Align-GVGD: "Class C65". The cysteine amino acid residue is found in multiple mammalian species, suggesting that this missense change does not adversely affect protein function. These predictions have not been confirmed by published functional studies and their clinical significance is uncertain. In summary, the available evidence is currently insufficient to determine the role of this variant in disease. Therefore, it has been classified as a Variant of Uncertain Significance.

NM_001253852.3(AP4B1):c.1553A>G (p.Tyr518Cys)

Genes: AP4B1 (adaptor related protein complex 4 subunit beta 1; minus strand), AP4B1-AS1 (AP4B1 antisense RNA 1; plus strand). Cytogenetic location: 1p13.2.
Variant type: single nucleotide variant.
Coding change: c.1553A>G on transcript NM_001253852.3 (MANE Select); coding-DNA position 1553, A replaced by G.
Protein change: p.Tyr518Cys; replaces tyrosine 518 with cysteine.
Molecular consequence: missense variant.
Genome position (GRCh38, 1-based): chr1:113,895,996, T>C on the plus strand (A>G on the coding strand, the complement: AP4B1 is on the minus strand). VCF-style: chr1-113895996-T-C. GRCh37 (hg19) VCF-style: chr1-114438618-T-C.
Other names: c.1256A>G, p.Tyr419Cys (NM_001253853.3); c.1049A>G, p.Tyr350Cys (NM_001308312.2); c.1553A>G, p.Tyr518Cys (NM_006594.5); short protein forms Y419C, Y350C, Y518C.
Identifiers: ClinVar variation 1401491 (VCV001401491.8), dbSNP rs1265334140, ClinGen allele CA341709428.